The following is an entry in ClinVar:

NM_006914.4(RORB):c.251G>A (p.Arg84Lys)

Gene: RORB (RAR related orphan receptor B; plus strand). Cytogenetic location: 9q21.13.
Variant type: single nucleotide variant.
Coding change: c.251G>A on transcript NM_006914.4 (MANE Select); coding-DNA position 251, G replaced by A.
Protein change: p.Arg84Lys; replaces arginine 84 with lysine.
Molecular consequence: missense variant.
Genome position (GRCh38, 1-based): chr9:74,642,429, G>A. VCF-style: chr9-74642429-G-A. GRCh37 (hg19) VCF-style: chr9-77257345-G-A.
Other names: c.284G>A, p.Arg95Lys (NM_001365023.1); short protein forms R84K, R95K.
Identifiers: ClinVar variation 4530578 (VCV004530578.1).

ClinVar aggregate classification (germline): Uncertain significance (1 of 4 stars; one submission).

Conditions:
RORB-associated seizure disorder.

Submission:

Institute of Human Genetics, University of Leipzig Medical Center
Classification: Uncertain significance for RORB-associated seizure disorder. Last evaluated: 2025-10-01. Review status: criteria provided, single submitter. Criteria: ACMG Guidelines, 2015. Collection method: clinical testing. Allele origin: unknown. Affected: yes.
Comment: Criteria applied: PM2_MOD,PP2, PP3

Literature cited by the submitters: PubMed 38165337.